The following is an entry in ClinVar:

NM_000051.4(ATM):c.4306C>G (p.His1436Asp)

Gene: ATM (ATM serine/threonine kinase; plus strand). Cytogenetic location: 11q22.3.
Variant type: single nucleotide variant.
Coding change: c.4306C>G on transcript NM_000051.4 (MANE Select); coding-DNA position 4306, C replaced by G.
Protein change: p.His1436Asp; replaces histidine 1436 with aspartic acid.
Molecular consequence: missense variant.
Genome position (GRCh38, 1-based): chr11:108,289,671, C>G. VCF-style: chr11-108289671-C-G. GRCh37 (hg19) VCF-style: chr11-108160398-C-G.
Other names: c.4306C>G, p.His1436Asp (NM_001351834.2); short protein forms H1436D.
Identifiers: ClinVar variation 1739586 (VCV001739586.2), dbSNP rs544891616, ClinGen allele CA382531667.

ClinVar aggregate classification (germline): Uncertain significance (1 of 4 stars; one submission).

Conditions:
Hereditary cancer-predisposing syndrome. Also called: Hereditary Cancer Syndrome; Hereditary neoplastic syndrome; Neoplastic Syndromes, Hereditary; Tumor predisposition. Identifiers: Orphanet 140162, MedGen C0027672, MeSH D009386, MONDO:0015356.

Submission:

Ambry Genetics
Classification: Uncertain significance for Hereditary cancer-predisposing syndrome. Last evaluated: 2019-08-26. Review status: criteria provided, single submitter. Criteria: Ambry Variant Classification Scheme 2023. Collection method: clinical testing. Allele origin: germline.
Comment: The p.H1436D variant (also known as c.4306C>G), located in coding exon 28 of the ATM gene, results from a C to G substitution at nucleotide position 4306. The histidine at codon 1436 is replaced by aspartic acid, an amino acid with similar properties. This amino acid position is not well conserved in available vertebrate species. In addition, this alteration is predicted to be tolerated by in silico analysis. Since supporting evidence is limited at this time, the clinical significance of this alteration remains unclear.